The following is an entry in ClinVar:

ClinVar aggregate classification (germline): Uncertain significance. Review status: criteria provided, multiple submitters, no conflicts (2 of 4 stars). 2 submissions from 2 submitters: Uncertain significance (2). Last evaluated 2023-03-02.

Conditions:
Inborn genetic diseases. Identifiers: MedGen C0950123, MeSH D030342.

Allele frequency attached by ClinVar (database versions not stated): gnomAD 0.00001; TOPMed 0.00001; ExAC 0.00003; 1000 Genomes Project 30x 0.00016; 1000 Genomes Project 0.00020.
gnomAD v4.1: 14 of 1,584,990 alleles (0.00088%); highest among the groups gnomAD compares: East Asian, 0.0092%; no homozygotes.

Submissions (2):

Ambry Genetics
Classification: Uncertain significance for Inborn genetic diseases. Last evaluated: 2023-03-02. Review status: criteria provided, single submitter. Criteria: Ambry Variant Classification Scheme 2023. Collection method: clinical testing. Allele origin: germline.

Labcorp Genetics (formerly Invitae), Labcorp
Classification: Uncertain significance. Last evaluated: 2021-09-20. Review status: criteria provided, single submitter. Criteria: Invitae Variant Classification Sherloc (09022015). Collection method: clinical testing. Allele origin: germline.
Comment: This sequence change replaces alanine with threonine at codon 622 of the ARHGEF18 protein (p.Ala622Thr). The alanine residue is highly conserved and there is a small physicochemical difference between alanine and threonine. This variant is present in population databases (rs201212270, ExAC 0.05%). This variant has not been reported in the literature in individuals affected with ARHGEF18-related conditions. Algorithms developed to predict the effect of missense changes on protein structure and function output the following: SIFT: "Tolerated"; PolyPhen-2: "Benign"; Align-GVGD: "Class C0". The threonine amino acid residue is found in multiple mammalian species, which suggests that this missense change does not adversely affect protein function. In summary, the available evidence is currently insufficient to determine the role of this variant in disease. Therefore, it has been classified as a Variant of Uncertain Significance.

NM_001367823.1(ARHGEF18):c.2428G>A (p.Ala810Thr)

Gene: ARHGEF18 (Rho/Rac guanine nucleotide exchange factor 18; plus strand). Cytogenetic location: 19p13.2.
Variant type: single nucleotide variant.
Coding change: c.2428G>A on transcript NM_001367823.1 (MANE Select); coding-DNA position 2428, G replaced by A.
Protein change: p.Ala810Thr; replaces alanine 810 with threonine.
Molecular consequence: missense variant.
Genome position (GRCh38, 1-based): chr19:7,459,970, G>A. VCF-style: chr19-7459970-G-A. GRCh37 (hg19) VCF-style: chr19-7524856-G-A.
Other names: c.1702G>A, p.Ala568Thr (NM_001130955.2); c.1390G>A, p.Ala464Thr (NM_001367824.1, NM_015318.4); short protein forms A810T, A464T, A568T.
Identifiers: ClinVar variation 836413 (VCV000836413.9), dbSNP rs201212270, ClinGen allele CA9136835.